The following is an entry in ClinVar:

NM_001079.4(ZAP70):c.1747C>T (p.Arg583Cys)

Gene: ZAP70 (zeta chain of T cell receptor associated protein kinase 70; plus strand). Cytogenetic location: 2q11.2.
Variant type: single nucleotide variant.
Coding change: c.1747C>T on transcript NM_001079.4 (MANE Select); coding-DNA position 1747, C replaced by T.
Protein change: p.Arg583Cys; replaces arginine 583 with cysteine.
Molecular consequence: missense variant.
Genome position (GRCh38, 1-based): chr2:97,739,385, C>T. VCF-style: chr2-97739385-C-T. GRCh37 (hg19) VCF-style: chr2-98355848-C-T.
Other names: c.1747C>T, p.Arg583Cys (NM_001378594.1); c.826C>T, p.Arg276Cys (NM_207519.2); short protein forms R276C, R583C.
Identifiers: ClinVar variation 3768213 (VCV003768213.1).

ClinVar aggregate classification (germline): Uncertain significance (1 of 4 stars; one submission).

Submission:

Women's Health and Genetics/Laboratory Corporation of America, LabCorp
Classification: Uncertain significance. Last evaluated: 2024-12-06. Review status: criteria provided, single submitter. Criteria: LabCorp Variant Classification Summary - May 2015. Collection method: clinical testing. Allele origin: germline.
Comment: Variant summary: ZAP70 c.1747C>T (p.Arg583Cys) results in a non-conservative amino acid change located in the Protein kinase domain (IPR000719) of the encoded protein sequence. Five of five in-silico tools predict a damaging effect of the variant on protein function. The variant was absent in 247610 control chromosomes. c.1747C>T has been reported in the compound or presumed compound heterozygous state in the literature in at least 2 individuals affected with clinical features of ZAP70-related Immunodeficiency (example, Luo_2023, Suratannon_2020). These data indicate that the variant may be associated with disease. At least one publication reports experimental evidence suggesting decreased protein expression, however, does not allow convincing conclusions about the variant effect in isolation (example, Luo_2023). The following publications have been ascertained in the context of this evaluation (PMID: 37101133, 32373116). No submitters have cited clinical-significance assessments for this variant to ClinVar. Based on the evidence outlined above, the variant was classified as VUS-possibly pathogenic.

Literature cited by the submitters: PubMed 32373116; PubMed 37101133.